The following is an entry in ClinVar:

ClinVar aggregate classification (germline): Uncertain significance. Review status: criteria provided, multiple submitters, no conflicts (2 of 4 stars). 2 submissions from 2 submitters: Uncertain significance (2). Last evaluated 2025-11-18.

Conditions:
Inborn genetic diseases. Identifiers: MedGen C0950123, MeSH D030342.

gnomAD v4.1: 8 of 1,610,890 alleles (0.0005%); highest among the groups gnomAD compares: East Asian, 0.0045%; no homozygotes.

Submissions (2):

Labcorp Genetics (formerly Invitae), Labcorp
Classification: Uncertain significance. Last evaluated: 2025-11-18. Review status: criteria provided, single submitter. Criteria: Invitae Variant Classification Sherloc (09022015). Collection method: clinical testing. Allele origin: germline.
Comment: This sequence change replaces isoleucine, which is neutral and non-polar, with valine, which is neutral and non-polar, at codon 240 of the ITM2B protein (p.Ile240Val). This variant is present in population databases (rs759189041, gnomAD 0.01%). This variant has not been reported in the literature in individuals affected with ITM2B-related conditions. ClinVar contains an entry for this variant (Variation ID: 4040349). An algorithm developed to predict the effect of missense changes on protein structure and function (PolyPhen-2) suggests that this variant is likely to be tolerated. In summary, the available evidence is currently insufficient to determine the role of this variant in disease. Therefore, it has been classified as a Variant of Uncertain Significance.

Ambry Genetics
Classification: Uncertain significance for Inborn genetic diseases. Last evaluated: 2025-06-10. Review status: criteria provided, single submitter. Criteria: Ambry Variant Classification Scheme 2023. Collection method: clinical testing. Allele origin: germline.

NM_021999.5(ITM2B):c.718A>G (p.Ile240Val)

Gene: ITM2B (integral membrane protein 2B; plus strand). Cytogenetic location: 13q14.2.
Variant type: single nucleotide variant.
Coding change: c.718A>G on transcript NM_021999.5 (MANE Select); coding-DNA position 718, A replaced by G.
Protein change: p.Ile240Val; replaces isoleucine 240 with valine.
Molecular consequence: missense variant.
Genome position (GRCh38, 1-based): chr13:48,261,141, A>G. VCF-style: chr13-48261141-A-G. GRCh37 (hg19) VCF-style: chr13-48835277-A-G.
Other names: short protein forms I240V.
Identifiers: ClinVar variation 4040349 (VCV004040349.2).
Genomic context (GRCh38, chr13:48,261,141, plus strand): 5'-GTGAATATTTATTATTAAAGAATCAAAATTTTAAAAAACTTTTTTCCCTCTCCAACAGGT[A>G]TTCAGAAACGTGAAGCCAGCAATTGTTTCGCAATTCGGCATTTTGAAAACAAATTTGCCG-3'
Protein context (NP_068839.1, residues 230-250): KLQRRETIKG[Ile240Val]QKREASNCFA